The following is an entry in ClinVar:

ClinVar aggregate classification (germline): Pathogenic (1 of 4 stars; one submission).

Submission:

Labcorp Genetics (formerly Invitae), Labcorp
Classification: Pathogenic. Last evaluated: 2021-11-10. Review status: criteria provided, single submitter. Criteria: Invitae Variant Classification Sherloc (09022015). Collection method: clinical testing. Allele origin: germline.
Comment: This sequence change creates a premature translational stop signal (p.Gly1154Valfs*5) in the VPS13A gene. It is expected to result in an absent or disrupted protein product. Loss-of-function variants in VPS13A are known to be pathogenic (PMID: 12404112, 21598378). This variant is not present in population databases (gnomAD no frequency). This variant has not been reported in the literature in individuals affected with VPS13A-related conditions. For these reasons, this variant has been classified as Pathogenic.

Literature cited by the submitters: PubMed 12404112; PubMed 21598378.

NM_033305.3(VPS13A):c.3459del (p.Gly1154fs)

Gene: VPS13A (vacuolar protein sorting 13 homolog A; plus strand). Cytogenetic location: 9q21.2.
Variant type: Deletion.
Coding change: c.3459del on transcript NM_033305.3 (MANE Select); coding-DNA position 3459, one base deleted (T; older notation c.3459delT).
Protein change: p.Gly1154fs; shifts the reading frame from glycine 1154.
Molecular consequence: frameshift variant.
Genome position (GRCh38, 1-based): chr9:77,293,460, T deleted; the last of 2 consecutive T bases (chr9:77,293,459-77,293,460); deleting either gives the same sequence. VCF-style (leftmost placement, unchanged base first): chr9-77293458-GT-G. GRCh37 (hg19) VCF-style: chr9-79908374-GT-G.
Other names: c.3342del, p.Gly1115fs (NM_001018037.2); c.3459del, p.Gly1154fs (NM_001018038.3, NM_015186.4); short protein forms G1115fs, G1154fs.
Identifiers: ClinVar variation 1458234 (VCV001458234.6), dbSNP rs2131371975, ClinGen allele CA2573144720.